The following is an entry in ClinVar:

NM_004168.4(SDHA):c.1162A>G (p.Met388Val)

Gene: SDHA (succinate dehydrogenase complex flavoprotein subunit A; plus strand). Cytogenetic location: 5p15.33.
Variant type: single nucleotide variant.
Coding change: c.1162A>G on transcript NM_004168.4 (MANE Select); coding-DNA position 1162, A replaced by G.
Protein change: p.Met388Val; replaces methionine 388 with valine.
Molecular consequence: missense variant.
Genome position (GRCh38, 1-based): chr5:235,241, A>G. VCF-style: chr5-235241-A-G. GRCh37 (hg19) VCF-style: chr5-235356-A-G.
Other names: c.1018A>G, p.Met340Val (NM_001294332.2); c.1162A>G, p.Met388Val (NM_001330758.2); short protein forms M388V, M340V.
Identifiers: ClinVar variation 818455 (VCV000818455.7), dbSNP rs1579406553, ClinGen allele CA359013578.

ClinVar aggregate classification (germline): Uncertain significance. Review status: criteria provided, multiple submitters, no conflicts (2 of 4 stars). 2 submissions from 2 submitters: Uncertain significance (2). Last evaluated 2025-06-05.

Conditions:
Hereditary cancer-predisposing syndrome. Also called: Tumor predisposition; Hereditary neoplastic syndrome; Neoplastic Syndromes, Hereditary; Hereditary Cancer Syndrome. Identifiers: Orphanet 140162, MedGen C0027672, MeSH D009386, MONDO:0015356.
Pheochromocytoma/paraganglioma syndrome 5. Also called: Paragangliomas 5; SDHA-Related Hereditary Paraganglioma-Pheochromocytoma Syndrome. Identifiers: Orphanet 29072, MedGen C3279992, MONDO:0013602, OMIM 614165.
Mitochondrial complex II deficiency, nuclear type 1. Also called: SUCCINATE CoQ REDUCTASE DEFICIENCY. Identifiers: Orphanet 3208, MedGen C5700310, MONDO:0100294, OMIM 252011.

Allele frequency attached by ClinVar (database versions not stated): gnomAD exomes below 0.00001.
gnomAD v4.1: 1 of 1,614,032 alleles (0.000062%); highest among the groups gnomAD compares: South Asian, 0.0011%; no homozygotes.

Submissions (2):

Ambry Genetics
Classification: Uncertain significance for Hereditary cancer-predisposing syndrome. Last evaluated: 2025-06-05. Review status: criteria provided, single submitter. Criteria: Ambry Variant Classification Scheme 2023. Collection method: clinical testing. Allele origin: germline.
Comment: The p.M388V variant (also known as c.1162A>G), located in coding exon 9 of the SDHA gene, results from an A to G substitution at nucleotide position 1162. The methionine at codon 388 is replaced by valine, an amino acid with highly similar properties. This amino acid position is highly conserved in available vertebrate species. In addition, the in silico prediction for this alteration is inconclusive. Based on the available evidence, the clinical significance of this variant remains unclear.

Labcorp Genetics (formerly Invitae), Labcorp
Classification: Uncertain significance for Pheochromocytoma/paraganglioma syndrome 5; Mitochondrial complex II deficiency, nuclear type 1. Last evaluated: 2024-04-08. Review status: criteria provided, single submitter. Criteria: Invitae Variant Classification Sherloc (09022015). Collection method: clinical testing. Allele origin: germline.
Comment: This sequence change replaces methionine, which is neutral and non-polar, with valine, which is neutral and non-polar, at codon 388 of the SDHA protein (p.Met388Val). This variant is not present in population databases (gnomAD no frequency). This variant has not been reported in the literature in individuals affected with SDHA-related conditions. ClinVar contains an entry for this variant (Variation ID: 818455). Advanced modeling of protein sequence and biophysical properties (such as structural, functional, and spatial information, amino acid conservation, physicochemical variation, residue mobility, and thermodynamic stability) performed at Invitae indicates that this missense variant is not expected to disrupt SDHA protein function with a negative predictive value of 95%. In summary, the available evidence is currently insufficient to determine the role of this variant in disease. Therefore, it has been classified as a Variant of Uncertain Significance.